The following is an entry in ClinVar:

NM_000081.4(LYST):c.8359-19del

Gene: LYST (lysosomal trafficking regulator; minus strand). Cytogenetic location: 1q42.3.
Variant type: Deletion.
Coding change: c.8359-19del on transcript NM_000081.4 (MANE Select); 19 bases into the intron before coding-DNA position 8359, one base deleted (A; older notation c.8359-19delA).
Molecular consequence: intron variant.
Genome position (GRCh38, 1-based): chr1:235,734,678, T deleted on the plus strand (A on the coding strand, the reverse complement: LYST is on the minus strand); the first of 6 consecutive T bases (chr1:235,734,678-235,734,683); deleting any one gives the same sequence. VCF-style (leftmost placement, unchanged base first): chr1-235734677-AT-A. GRCh37 (hg19) VCF-style: chr1-235897977-AT-A.
Other names: c.8359-19del (NM_001301365.1); c.8359-19delA (NM_000081.4).
Identifiers: ClinVar variation 1556902 (VCV001556902.8), dbSNP rs779652586, ClinGen allele CA1465873.

ClinVar aggregate classification (germline): Benign/Likely benign. Review status: criteria provided, multiple submitters, no conflicts (2 of 4 stars). 2 submissions from 2 submitters: Benign (1); Likely benign (1). Last evaluated 2025-12-26.

Conditions:
Chédiak-Higashi syndrome (CHS). Also called: Chediak-Higashi Syndrome. Identifiers: Orphanet 167, MedGen C0007965, MONDO:0008963, OMIM 214500.

Submissions (2):

Women's Health and Genetics/Laboratory Corporation of America, LabCorp
Classification: Likely benign. Last evaluated: 2025-12-26. Review status: criteria provided, single submitter. Criteria: LabCorp Variant Classification Summary - May 2015. Collection method: clinical testing. Allele origin: germline.
Comment: Variant summary: LYST c.8359-19delA alters a nucleotide located at a position not widely known to affect splicing. Consensus agreement among computation tools predict no significant impact on normal splicing. However, these predictions have yet to be confirmed by functional studies. The variant allele was found at a frequency of 0.00012 in 242148 control chromosomes. This frequency is not significantly higher than estimated for disease-causing variants in LYST, allowing no conclusion about variant significance. To our knowledge, no occurrence of c.8359-19delA in individuals affected with LYST-related conditions and no experimental evidence demonstrating its impact on protein function have been reported. ClinVar contains an entry for this variant (Variation ID: 1556902). Based on the evidence outlined above, the variant was classified as likely benign.

Labcorp Genetics (formerly Invitae), Labcorp
Classification: Benign for Chédiak-Higashi syndrome. Last evaluated: 2025-12-22. Review status: criteria provided, single submitter. Criteria: Invitae Variant Classification Sherloc (09022015). Collection method: clinical testing. Allele origin: germline.